The following is an entry in ClinVar:

ClinVar aggregate classification (germline): Pathogenic (1 of 4 stars; one submission).

Conditions:
Aniridia 1 (AN1). Identifiers: Orphanet 250923, MedGen C0344542, MONDO:0024507, OMIM 106210.
Irido-corneo-trabecular dysgenesis (ASGD5). Also called: ANTERIOR SEGMENT DYSGENESIS 5. Identifiers: Orphanet 708, MedGen C0344559, MONDO:0011414, OMIM 604229, HP:0000659.

Submission:

Labcorp Genetics (formerly Invitae), Labcorp
Classification: Pathogenic for Aniridia 1; Irido-corneo-trabecular dysgenesis. Last evaluated: 2021-08-17. Review status: criteria provided, single submitter. Criteria: Invitae Variant Classification Sherloc (09022015). Collection method: clinical testing. Allele origin: germline.
Comment: For these reasons, this variant has been classified as Pathogenic. Algorithms developed to predict the effect of sequence changes on RNA splicing suggest that this variant may disrupt the consensus splice site. Disruption of this splice site has been observed in individual(s) with aniridia (Invitae). This variant is not present in population databases (ExAC no frequency). This sequence change affects an acceptor splice site in intron 6 of the PAX6 gene. It is expected to disrupt RNA splicing. Variants that disrupt the donor or acceptor splice site typically lead to a loss of protein function (PMID: 16199547), and loss-of-function variants in PAX6 are known to be pathogenic (PMID: 12634864).

Literature cited by the submitters: PubMed 16199547; PubMed 12634864.

NM_001368894.2(PAX6):c.400-2A>T

Gene: PAX6 (paired box 6; minus strand). Cytogenetic location: 11p13.
Variant type: single nucleotide variant.
Coding change: c.400-2A>T on transcript NM_001368894.2 (MANE Select); the canonical splice acceptor site of the intron before coding-DNA position 400, A replaced by T.
Molecular consequence: splice acceptor variant.
Genome position (GRCh38, 1-based): chr11:31,800,858, T>A on the plus strand (A>T on the coding strand, the complement: PAX6 is on the minus strand). VCF-style: chr11-31800858-T-A. GRCh37 (hg19) VCF-style: chr11-31822406-T-A.
Other names: c.358-2A>T (NM_001127612.3, NM_001368890.2, NM_001368888.2 and 10 more transcripts); c.199-2A>T (NM_001368921.2, NM_001368923.2, NM_001368926.2 and 4 more transcripts); c.400-2A>T (NM_001258462.3, NM_001310158.2, NM_001258463.2 and 6 more transcripts); c.475-2A>T (NM_001368919.2, NM_001368918.2); c.601-2A>T (NM_001368910.2); c.-51-2A>T (NM_001368909.2, NM_001368904.2, NM_001368905.2 and 11 more transcripts); c.403-2A>T (NM_001368911.2); c.157-2A>T (NM_001368928.2); and 1 more.
Identifiers: ClinVar variation 1458846 (VCV001458846.6), dbSNP rs1592532580, ClinGen allele CA379958424.